The following is an entry in ClinVar:

ClinVar aggregate classification (germline): Benign/Likely benign. Review status: criteria provided, multiple submitters, no conflicts (2 of 4 stars). 2 submissions from 2 submitters: Benign (1); Likely benign (1). Last evaluated 2026-07-02.

Conditions:
Sessile serrated polyposis cancer syndrome (SSPCS). Identifiers: Orphanet 157798, MedGen C4310714, MONDO:0014919, OMIM 617108.

Submissions (2):

Myriad Genetics, Inc.
Classification: Benign for Sessile serrated polyposis cancer syndrome. Last evaluated: 2026-07-02. Review status: criteria provided, single submitter. Criteria: Myriad Autosomal Dominant, Autosomal Recessive and X-Linked Classification Criteria (2023). Collection method: clinical testing. Allele origin: unknown.
Comment: This variant is considered benign. This variant is a silent/synonymous amino acid change and it is not expected to impact splicing.

Ambry Genetics
Classification: Likely benign. Last evaluated: 2024-12-25. Review status: criteria provided, single submitter. Criteria: Ambry Variant Classification Scheme 2023. Collection method: clinical testing. Allele origin: germline.

NM_017763.6(RNF43):c.1827G>A (p.Arg609=)

Gene: RNF43 (ring finger protein 43; minus strand). Cytogenetic location: 17q22.
Variant type: single nucleotide variant.
Coding change: c.1827G>A on transcript NM_017763.6 (MANE Select); coding-DNA position 1827, G replaced by A.
Protein change: p.Arg609=; no amino-acid change (arginine 609 retained).
Molecular consequence: synonymous variant.
Genome position (GRCh38, 1-based): chr17:58,357,949, C>T on the plus strand (G>A on the coding strand, the complement: RNF43 is on the minus strand). VCF-style: chr17-58357949-C-T. GRCh37 (hg19) VCF-style: chr17-56435310-C-T.
Other names: c.1446G>A, p.Arg482= (NM_001305545.2); c.1827G>A, p.Arg609= (NM_001305544.3).
Identifiers: ClinVar variation 3789871 (VCV003789871.2).
Genomic context (GRCh38, chr17:58,357,949, plus strand): 5'-GGCGTCAACTGGGCCAGGGGCTGGCTCAGGGAGGGCCCTGGGGCACTGTGGGTTAGAGAG[C>T]CGCCCCGAAGGGGCTGCTGAGTTGGATCTGGTGACTTGCTGATCAGGAGAAGGTGGCTCT-3'
Protein context (NP_060233.3, residues 599-619): TRSNSAAPSG[Arg609=]LSNPQCPRAL